The following is an entry in ClinVar:

ClinVar aggregate classification (germline): Uncertain significance (1 of 4 stars; one submission).

gnomAD v4.1: 1 of 1,587,682 alleles (0.000063%); no homozygotes.

Submission:

Labcorp Genetics (formerly Invitae), Labcorp
Classification: Uncertain significance. Last evaluated: 2023-03-14. Review status: criteria provided, single submitter. Criteria: Invitae Variant Classification Sherloc (09022015). Collection method: clinical testing. Allele origin: germline.
Comment: In summary, the available evidence is currently insufficient to determine the role of this variant in disease. Therefore, it has been classified as a Variant of Uncertain Significance. Algorithms developed to predict the effect of sequence changes on RNA splicing suggest that this variant may disrupt the consensus splice site. This variant has not been reported in the literature in individuals affected with IFT57-related conditions. This variant is present in population databases (no rsID available, gnomAD 0.006%). This sequence change affects a donor splice site in intron 4 of the IFT57 gene. It is expected to disrupt RNA splicing. Variants that disrupt the donor or acceptor splice site typically lead to a loss of protein function (PMID: 16199547), however the current clinical and genetic evidence is not sufficient to establish whether loss-of-function variants in IFT57 cause disease.

Literature cited by the submitters: PubMed 16199547.

NM_018010.4(IFT57):c.585+1G>T

Gene: IFT57 (intraflagellar transport 57; minus strand). Cytogenetic location: 3q13.13.
Variant type: single nucleotide variant.
Coding change: c.585+1G>T on transcript NM_018010.4 (MANE Select); the canonical splice donor site of the intron after coding-DNA position 585, G replaced by T.
Molecular consequence: splice donor variant.
Genome position (GRCh38, 1-based): chr3:108,213,930, C>A on the plus strand (G>T on the coding strand, the complement: IFT57 is on the minus strand). VCF-style: chr3-108213930-C-A. GRCh37 (hg19) VCF-style: chr3-107932777-C-A.
Identifiers: ClinVar variation 2871221 (VCV002871221.3), dbSNP rs1159765451, ClinGen allele CA353907990.